The following is an entry in ClinVar:

NM_015272.5(RPGRIP1L):c.1103+8G>A

Gene: RPGRIP1L (RPGRIP1 like; minus strand). Cytogenetic location: 16q12.2.
Variant type: single nucleotide variant.
Coding change: c.1103+8G>A on transcript NM_015272.5 (MANE Select); 8 bases into the intron after coding-DNA position 1103, G replaced by A.
Molecular consequence: intron variant.
Genome position (GRCh38, 1-based): chr16:53,671,502, C>T on the plus strand (G>A on the coding strand, the complement: RPGRIP1L is on the minus strand). VCF-style: chr16-53671502-C-T. GRCh37 (hg19) VCF-style: chr16-53705414-C-T.
Other names: c.1103+8G>A (NM_015272.4, NM_001127897.4, NM_001330538.2 and 1 more transcripts).
Identifiers: ClinVar variation 1125516 (VCV001125516.10), dbSNP rs564455571, ClinGen allele CA8057924.

ClinVar aggregate classification (germline): Likely benign. Review status: criteria provided, multiple submitters, no conflicts (2 of 4 stars). 2 submissions from 2 submitters: Likely benign (2). Last evaluated 2026-07-13.

Conditions:
RPGRIP1L-related disorder. Also called: RPGRIP1L-related condition; RPGRIP1L-related disorders. Identifiers: MedGen CN239416.
Meckel-Gruber syndrome. Also called: DYSENCEPHALIA SPLANCHNOCYSTICA; Dysencephalia splachnocystica; GRUBER SYNDROME. Identifiers: Orphanet 564, MedGen C0265215, MONDO:0018921.
Joubert syndrome. Also called: Familial aplasia of the vermis; JOUBERT-BOLTSHAUSER SYNDROME. Identifiers: Orphanet 475, MedGen C5979921, MONDO:0018772.

Allele frequency attached by ClinVar (database versions not stated): gnomAD exomes below 0.00001; ExAC 0.00001; 1000 Genomes Project 30x 0.00016; 1000 Genomes Project 0.00020.
gnomAD v4.1: 11 of 1,548,056 alleles (0.00071%); highest among the groups gnomAD compares: African/African-American, 0.0027%; no homozygotes.

Submissions (2):

PreventionGenetics, part of Exact Sciences
Classification: Likely benign for RPGRIP1L-related condition. Last evaluated: 2026-07-13. Review status: criteria provided, single submitter. Criteria: ACMG Guidelines, 2015. Collection method: clinical testing. Allele origin: germline.
Comment: This variant is classified as likely benign based on ACMG/AMP sequence variant interpretation guidelines (Richards et al. 2015 PMID: 25741868, with internal and published modifications).

Labcorp Genetics (formerly Invitae), Labcorp
Classification: Likely benign for Joubert syndrome; Meckel-Gruber syndrome. Last evaluated: 2025-09-02. Review status: criteria provided, single submitter. Criteria: Invitae Variant Classification Sherloc (09022015). Collection method: clinical testing. Allele origin: germline.